The following is an entry in ClinVar:

ClinVar aggregate classification (germline): Uncertain significance (1 of 4 stars; one submission).

Conditions:
Atypical Rett syndrome. Also called: Rett like syndrome; Variant Rett Syndrome. Identifiers: Orphanet 3095, MedGen C2748910, MONDO:0017746.

Submission:

Institute of Human Genetics, University of Goettingen
Classification: Uncertain significance for Atypical Rett syndrome. Last evaluated: 2021-08-16. Review status: criteria provided, single submitter. Criteria: ACMG Guidelines, 2015. Collection method: clinical testing. Allele origin: unknown. Inheritance: Autosomal dominant inheritance. Observed: 1 heterozygote.
Comment: The variant c.94C>T (p.(His32Tyr)) in exon 3 of the PALS1-gene is not found in the gnomAD database, it affects a highly conserved nucleotide and there is a moderate physicochemical difference between His and Tyr. This variant has a pathogenic computational verdict based on 8 pathogenic predictions from BayesDel_addAF, DANN, EIGEN, FATHMM-MKL, LIST-S2, MutationTaster, PolyPhen-2 and SIFT vs 5 benign predictions from DEOGEN2, M-CAP, MVP, MutationAssessor and PrimateAI. ACMG criteria used for classification: PM2, PP3, BS2.

Literature cited by the submitters: PubMed 33073849.

NM_022474.4(PALS1):c.94C>T (p.His32Tyr)

Genes: GPHN (gephyrin; plus strand), PALS1 (protein associated with LIN7 1, MAGUK p55 family member; plus strand). Cytogenetic location: 14q23.3.
Variant type: single nucleotide variant.
Coding change: c.94C>T on transcript NM_022474.4 (MANE Select); coding-DNA position 94, C replaced by T.
Protein change: p.His32Tyr; replaces histidine 32 with tyrosine.
Molecular consequence: missense variant. On other transcripts: 5 prime UTR variant (1).
Genome position (GRCh38, 1-based): chr14:67,279,264, C>T. VCF-style: chr14-67279264-C-T. GRCh37 (hg19) VCF-style: chr14-67745981-C-T.
Other names: MPP5; c.-9C>T (NM_001256550.2); short protein forms H32Y.
Identifiers: ClinVar variation 1199395 (VCV001199395.4), dbSNP rs2140676311, ClinGen allele CA390123366.